The following is an entry in ClinVar:

ClinVar aggregate classification (germline): Pathogenic (1 of 4 stars; one submission).

Conditions:
Bardet-Biedl syndrome (BBS). Identifiers: Orphanet 110, MedGen C0752166, MONDO:0015229.

Submission:

Labcorp Genetics (formerly Invitae), Labcorp
Classification: Pathogenic for Bardet-Biedl syndrome. Last evaluated: 2023-03-08. Review status: criteria provided, single submitter. Criteria: Invitae Variant Classification Sherloc (09022015). Collection method: clinical testing. Allele origin: unknown.
Comment: For these reasons, this variant has been classified as Pathogenic. This variant has not been reported in the literature in individuals affected with BBS7-related conditions. This variant is a gross deletion of the genomic region encompassing exon(s) 7-8 of the BBS7 gene. This deletion is out-of-frame, and is expected to create a premature termination codon and result in an absent or disrupted protein product. Loss-of-function variants in BBS7 are known to be pathogenic (PMID: 12567324, 19402160, 21209035, 31196119).

Literature cited by the submitters: PubMed 12567324; PubMed 19402160; PubMed 21209035; PubMed 31196119.

NC_000004.11:g.(?_122774091)_(122775995_?)del

Gene: BBS7 (Bardet-Biedl syndrome 7; minus strand). Cytogenetic location: 4q27.
Variant type: Deletion.
Identifiers: ClinVar variation 3246650 (VCV003246650.1).